The following is an entry in ClinVar:

ClinVar aggregate classification (germline): Pathogenic. Review status: criteria provided, single submitter (1 of 4 stars). 2 submissions from 2 submitters: Pathogenic (1). 1 of the submissions does not count toward it. Last evaluated 2025-02-10.

Conditions:
Ornithine carbamoyltransferase deficiency (OTCD). Also called: ORNITHINE TRANSCARBAMYLASE DEFICIENCY, HYPERAMMONEMIA DUE TO; ORNITHINE TRANSCARBAMYLASE DEFICIENCY; OTC DEFICIENCY; Ornithine Carbamoyltransferase Deficiency Disease. Identifiers: Orphanet 664, MedGen C0268542, MONDO:0010703, OMIM 311250.

Submissions (2):

Labcorp Genetics (formerly Invitae), Labcorp
Classification: Pathogenic for Ornithine carbamoyltransferase deficiency. Last evaluated: 2025-02-10. Review status: criteria provided, single submitter. Criteria: Invitae Variant Classification Sherloc (09022015). Collection method: clinical testing. Allele origin: germline.
Comment: This sequence change replaces proline, which is neutral and non-polar, with alanine, which is neutral and non-polar, at codon 169 of the OTC protein (p.Pro169Ala). This variant is not present in population databases (gnomAD no frequency). This missense change has been observed in individual(s) with clinical features of ornithine transcarbamylase deficiency (PMID: 11793468). ClinVar contains an entry for this variant (Variation ID: 97227). Invitae Evidence Modeling of protein sequence and biophysical properties (such as structural, functional, and spatial information, amino acid conservation, physicochemical variation, residue mobility, and thermodynamic stability) indicates that this missense variant is expected to disrupt OTC protein function with a positive predictive value of 95%. This variant disrupts the p.Pro169 amino acid residue in OTC. Other variant(s) that disrupt this residue have been observed in individuals with OTC-related conditions (PMID: 11117428, 26059767), which suggests that this may be a clinically significant amino acid residue. For these reasons, this variant has been classified as Pathogenic.

GenMed Metabolism Lab
Classification: Pathogenic. Review status: no assertion criteria provided. Collection method: not provided. Allele origin: unknown. Not counted in ClinVar's aggregate classification.
ClinVar note: Converted during submission from pathogenic to Pathogenic.

Literature cited by the submitters: PubMed 11793468 (cited by Labcorp Genetics (formerly Invitae), Labcorp); PubMed 11117428 (cited by Labcorp Genetics (formerly Invitae), Labcorp); PubMed 26059767 (cited by Labcorp Genetics (formerly Invitae), Labcorp).

NM_000531.6(OTC):c.505C>G (p.Pro169Ala)

Gene: OTC (ornithine transcarbamylase; plus strand). Cytogenetic location: Xp11.4.
Variant type: single nucleotide variant.
Coding change: c.505C>G on transcript NM_000531.6 (MANE Select); coding-DNA position 505, C replaced by G.
Protein change: p.Pro169Ala; replaces proline 169 with alanine.
Molecular consequence: missense variant.
Genome position (GRCh38, 1-based): chrX:38,401,393, C>G. VCF-style: chrX-38401393-C-G. GRCh37 (hg19) VCF-style: chrX-38260646-C-G.
Other names: short protein forms P169A.
Identifiers: ClinVar variation 97227 (VCV000097227.9), dbSNP rs72556277, ClinGen allele CA224653.